The following is an entry in ClinVar:

ClinVar aggregate classification (germline): Uncertain significance (1 of 4 stars; one submission).

Submission:

CeGaT Center for Human Genetics Tuebingen
Classification: Uncertain significance. Last evaluated: 2023-03-01. Review status: criteria provided, single submitter. Criteria: CeGaT Center For Human Genetics Tuebingen Variant Classification Criteria Version 2. Collection method: clinical testing. Allele origin: germline. Affected: yes. Observed: 1 variant allele.
Comment: SCN1A: PM2, PP2

NM_001165963.4(SCN1A):c.53C>T (p.Thr18Ile)

Gene: SCN1A (sodium voltage-gated channel alpha subunit 1; minus strand). Cytogenetic location: 2q24.3.
Variant type: single nucleotide variant.
Coding change: c.53C>T on transcript NM_001165963.4 (MANE Select); coding-DNA position 53, C replaced by T.
Protein change: p.Thr18Ile; replaces threonine 18 with isoleucine.
Molecular consequence: missense variant. On other transcripts: 5 prime UTR variant (1), non-coding transcript variant (1).
Genome position (GRCh38, 1-based): chr2:166,073,569, G>A on the plus strand (C>T on the coding strand, the complement: SCN1A is on the minus strand). VCF-style: chr2-166073569-G-A. GRCh37 (hg19) VCF-style: chr2-166930079-G-A.
Other names: c.53C>T, p.Thr18Ile (NM_001165964.3, NM_001202435.3, NM_001353948.2 and 10 more transcripts); c.-2373C>T (NM_001353961.2); short protein forms T18I.
Identifiers: ClinVar variation 2498843 (VCV002498843.28), dbSNP rs2468367662, ClinGen allele CA349243403.